The following is an entry in ClinVar:

ClinVar aggregate classification (germline): Conflicting classifications of pathogenicity. Review status: criteria provided, conflicting classifications (1 of 4 stars). 6 submissions from 6 submitters: Pathogenic (1); Likely pathogenic (2); Uncertain significance (2). 1 of the submissions does not count toward it. Last evaluated 2025-03-17.

Conditions:
Neuronal ceroid lipofuscinosis. Also called: Neuronal Ceroid Lipofuscinoses. Identifiers: Orphanet 216, Orphanet 79263, MedGen C0027877, MONDO:0016295. Disease mechanism: loss of function.
Neuronal ceroid lipofuscinosis 5 (CLN5). Also called: CEROID LIPOFUSCINOSIS, NEURONAL, 5, VARIABLE AGE AT ONSET; Neuronal ceroid lipofuscinosis Finnish variant; NEURONAL CEROID LIPOFUSCINOSIS, LATE INFANTILE, FINNISH VARIANT; CLN5-Related Neuronal Ceroid-Lipofuscinosis. Identifiers: Orphanet 168491, Orphanet 228360, MedGen C1850442, MONDO:0009745, OMIM 256731.

Submissions (6):

Labcorp Genetics (formerly Invitae), Labcorp
Classification: Uncertain significance for Neuronal ceroid lipofuscinosis. Last evaluated: 2025-03-17. Review status: criteria provided, single submitter. Criteria: Invitae Variant Classification Sherloc (09022015). Collection method: clinical testing. Allele origin: germline.
Comment: This sequence change replaces arginine, which is basic and polar, with proline, which is neutral and non-polar, at codon 112 of the CLN5 protein (p.Arg112Pro). This variant is not present in population databases (gnomAD no frequency). This missense change has been observed in individual(s) with neuronal ceroid lipofuscinosis (PMID: 16814585, 24767253). ClinVar contains an entry for this variant (Variation ID: 56533). Invitae Evidence Modeling of protein sequence and biophysical properties (such as structural, functional, and spatial information, amino acid conservation, physicochemical variation, residue mobility, and thermodynamic stability) indicates that this missense variant is expected to disrupt CLN5 protein function with a positive predictive value of 80%. Experimental studies have shown that this missense change affects CLN5 function (PMID: 20052765). This variant disrupts the p.Arg112 amino acid residue in CLN5. Other variant(s) that disrupt this residue have been determined to be pathogenic (PMID: 15728307, 20052765, 30078242). This suggests that this residue is clinically significant, and that variants that disrupt this residue are likely to be disease-causing. In summary, the available evidence is currently insufficient to determine the role of this variant in disease. Therefore, it has been classified as a Variant of Uncertain Significance.

Fulgent Genetics
Classification: Likely pathogenic for Neuronal ceroid lipofuscinosis 5. Last evaluated: 2024-05-26. Review status: criteria provided, single submitter. Criteria: ACMG Guidelines, 2015. Collection method: clinical testing. Allele origin: germline.

Women's Health and Genetics/Laboratory Corporation of America, LabCorp
Classification: Uncertain significance. Last evaluated: 2024-05-23. Review status: criteria provided, single submitter. Criteria: LabCorp Variant Classification Summary - May 2015. Collection method: clinical testing. Allele origin: germline.
Comment: Variant summary: CLN5 c.188G>C (p.Arg63Pro), also referred to as p.Arg112Pro in the literature, results in a non-conservative amino acid change in the encoded protein sequence. Five of five in-silico tools predict a damaging effect of the variant on protein function. The variant was absent in 251186 control chromosomes. The available data on variant occurrences in the general population are insufficient to allow any conclusion about variant significance. c.188G>C has been reported in the literature in at least two individuals affected with Neuronal Ceroid-Lipofuscinosis (Batten Disease) who also had a missense variant (p.Asp230Asn) in cis (e.g. Bessa_2006, Fernandez-Marmiesse_2014). These data do not allow any conclusion about variant significance. One publication reports experimental evidence evaluating an impact on protein function, indicating that the variant protein primarily localizes to the ER as opposed to the lysosome, however, it does not allow convincing conclusions about the variant effect (Schmiedt_2010). The following publications have been ascertained in the context of this evaluation (PMID: 16814585, 24767253, 20052765). ClinVar contains an entry for this variant (Variation ID: 56533). Based on the evidence outlined above, the variant was classified as uncertain significance.

Genome-Nilou Lab
Classification: Likely pathogenic for Neuronal ceroid lipofuscinosis 5. Last evaluated: 2021-08-10. Review status: criteria provided, single submitter. Criteria: ACMG Guidelines, 2015. Collection method: clinical testing. Allele origin: germline. Affected: no.

Mendelics
Classification: Pathogenic for Neuronal ceroid lipofuscinosis 1. Last evaluated: 2019-05-28. Review status: criteria provided, single submitter. Criteria: Mendelics Assertion Criteria 2017. Collection method: clinical testing. Allele origin: unknown.

Juha Muilu Group; Institute for Molecular Medicine Finland (FIMM)
Classification: Likely pathogenic for Ceroid lipofuscinosis neuronal 5. Review status: no assertion criteria provided. Collection method: not provided. Allele origin: unknown. Not counted in ClinVar's aggregate classification.
Comment: FinDis database variant: This variant was not found or characterized by our laboratory, data were collected from public sources: see reference
ClinVar note: Converted during submission from probable-pathogenic to Likely pathogenic.

Literature cited by the submitters: PubMed 16814585 (cited by Labcorp Genetics (formerly Invitae), Labcorp and Women's Health and Genetics/Laboratory Corporation of America, LabCorp); PubMed 24767253 (cited by Labcorp Genetics (formerly Invitae), Labcorp and Women's Health and Genetics/Laboratory Corporation of America, LabCorp); PubMed 20052765 (cited by Labcorp Genetics (formerly Invitae), Labcorp and Women's Health and Genetics/Laboratory Corporation of America, LabCorp); PubMed 15728307 (cited by Labcorp Genetics (formerly Invitae), Labcorp); PubMed 30078242 (cited by Labcorp Genetics (formerly Invitae), Labcorp).

NM_006493.4(CLN5):c.188G>C (p.Arg63Pro)

Gene: CLN5 (CLN5 lysosomal BMP synthase; plus strand). Cytogenetic location: 13q22.3.
Variant type: single nucleotide variant.
Coding change: c.188G>C on transcript NM_006493.4 (MANE Select); coding-DNA position 188, G replaced by C.
Protein change: p.Arg63Pro; replaces arginine 63 with proline.
Molecular consequence: missense variant.
Genome position (GRCh38, 1-based): chr13:76,995,077, G>C. VCF-style: chr13-76995077-G-C. GRCh37 (hg19) VCF-style: chr13-77569212-G-C.
Other names: c.188G>C, p.Arg63Pro (NM_001366624.2); c.335G>C (LRG_692t1); short protein forms R63P.
Identifiers: ClinVar variation 56533 (VCV000056533.14), dbSNP rs104894386, ClinGen allele CA263884.